The following is an entry in ClinVar:

NM_000077.5(CDKN2A):c.245T>A (p.Val82Glu)

Gene: CDKN2A (cyclin dependent kinase inhibitor 2A; minus strand). Cytogenetic location: 9p21.3.
Variant type: single nucleotide variant.
Coding change: c.245T>A on transcript NM_000077.5; coding-DNA position 245, T replaced by A.
Protein change: p.Val82Glu; replaces valine 82 with glutamic acid.
Molecular consequence: missense variant (on NM_001195132.2). On other transcripts: synonymous variant (1), 3 prime UTR variant (1).
Genome position (GRCh38, 1-based): chr9:21,971,114, A>T on the plus strand (T>A on the coding strand, the complement: CDKN2A is on the minus strand). VCF-style: chr9-21971114-A-T. GRCh37 (hg19) VCF-style: chr9-21971113-A-T.
Other names: c.245T>A, p.Val82Glu (NM_001195132.2, NM_000077.6); c.92T>A, p.Val31Glu (NM_001363763.2); c.288T>A, p.Arg96= (NM_058195.4); c.*168T>A (NM_058197.5); short protein forms V31E, V82E.
Identifiers: ClinVar variation 833905 (VCV000833905.8), dbSNP rs1819711290, ClinGen allele CA373086238.

ClinVar aggregate classification (germline): Uncertain significance (1 of 4 stars; one submission).

Conditions:
Familial melanoma. Also called: Hereditary melanoma; Hereditary cutaneous melanoma. Identifiers: Orphanet 618, MedGen C1512419, MONDO:0018961.

Submission:

Labcorp Genetics (formerly Invitae), Labcorp
Classification: Uncertain significance for Familial melanoma. Last evaluated: 2022-01-23. Review status: criteria provided, single submitter. Criteria: Invitae Variant Classification Sherloc (09022015). Collection method: clinical testing. Allele origin: germline.
Comment: This sequence change replaces valine, which is neutral and non-polar, with glutamic acid, which is acidic and polar, at codon 82 of the CDKN2A (p16INK4a) protein (p.Val82Glu). This variant is not present in population databases (gnomAD no frequency). This variant has not been reported in the literature in individuals affected with CDKN2A (p16INK4a)-related conditions. ClinVar contains an entry for this variant (Variation ID: 833905). Algorithms developed to predict the effect of missense changes on protein structure and function are either unavailable or do not agree on the potential impact of this missense change (SIFT: "Deleterious"; PolyPhen-2: "Possibly Damaging"; Align-GVGD: "Class C15"). In summary, the available evidence is currently insufficient to determine the role of this variant in disease. Therefore, it has been classified as a Variant of Uncertain Significance.